The following is an entry in ClinVar:

ClinVar aggregate classification (germline): Pathogenic (1 of 4 stars; one submission).

Conditions:
ADNP-related multiple congenital anomalies - intellectual disability - autism spectrum disorder. Also called: ADNP-Related Helsmoortel-Van der Aa Syndrome; Helsmoortel-Van der Aa Syndrome. Identifiers: Orphanet 404448, MedGen C4014538, MONDO:0014379, OMIM 615873. Disease mechanism: loss of function.

Submission:

Variantyx, Inc.
Classification: Pathogenic for ADNP-related multiple congenital anomalies - intellectual disability - autism spectrum disorder. Last evaluated: 2025-04-03. Review status: criteria provided, single submitter. Criteria: Variantyx Assertion Criteria 2022. Collection method: clinical testing. Allele origin: de novo. Inheritance: Autosomal dominant inheritance. Affected: yes.
Comment: This is a nonsense variant in the ADNP gene (OMIM: 611386). Pathogenic variants in this gene have been associated with autosomal dominant Helsmoortel-van der Aa syndrome. The alteration introduces a premature termination codon in exon six out of six, and thus is not expected to to trigger nonsense-mediated mRNA decay. However, this variant removes the last ~29% of the protein, which includes a functional domain. This truncation is expected to result in loss of function, which is a known disease mechanism for ADNP in this disorder (PMID: 29911927) (PVS1). This variant is absent from control populations (PM2) and it has not been reported in individuals with ADNP-related disorders in the databases available for review. Based on the current evidence, this variant is classified as pathogenic for autosomal dominant Helsmoortel-van der Aa syndrome.

Literature cited by the submitters: PubMed 29911927.

NM_001282531.3(ADNP):c.2332C>T (p.Gln778Ter)

Gene: ADNP (activity dependent neuroprotector homeobox; minus strand). Cytogenetic location: 20q13.13.
Variant type: single nucleotide variant.
Coding change: c.2332C>T on transcript NM_001282531.3 (MANE Select); coding-DNA position 2332, C replaced by T.
Protein change: p.Gln778Ter; replaces glutamine 778 with a stop codon.
Molecular consequence: nonsense.
Genome position (GRCh38, 1-based): chr20:50,892,382, G>A on the plus strand (C>T on the coding strand, the complement: ADNP is on the minus strand). VCF-style: chr20-50892382-G-A. GRCh37 (hg19) VCF-style: chr20-49508919-G-A.
Other names: c.2332C>T, p.Gln778Ter (NM_001282532.2, NM_001347511.2, NM_015339.5 and 1 more transcripts); c.2548C>T, p.Gln850Ter (NM_001439000.1); c.1648C>T, p.Gln550Ter (NM_001439001.1); short protein forms Q550*, Q778*, Q850*.
Identifiers: ClinVar variation 4852209 (VCV004852209.1).